The following is an entry in ClinVar:

ClinVar aggregate classification (germline): Conflicting classifications of pathogenicity. Review status: criteria provided, conflicting classifications (1 of 4 stars). 3 submissions from 3 submitters: Pathogenic (1); Uncertain significance (2). Last evaluated 2025-11-25.

Conditions:
Hereditary cancer-predisposing syndrome. Also called: Hereditary Cancer Syndrome; Tumor predisposition; Hereditary neoplastic syndrome; Neoplastic Syndromes, Hereditary. Identifiers: Orphanet 140162, MedGen C0027672, MeSH D009386, MONDO:0015356.
Multiple endocrine neoplasia, type 1 (MEN1). Also called: MEA I; MEN I; WERMER SYNDROME; Endocrine adenomatosis multiple; MEN 1. Identifiers: Orphanet 652, MedGen C0025267, MeSH D018761, MONDO:0007540, OMIM 131100.

Allele frequency attached by ClinVar (database versions not stated): gnomAD exomes below 0.00001.

Submissions (3):

Labcorp Genetics (formerly Invitae), Labcorp
Classification: Pathogenic for Multiple endocrine neoplasia, type 1. Last evaluated: 2025-11-25. Review status: criteria provided, single submitter. Criteria: Invitae Variant Classification Sherloc (09022015). Collection method: clinical testing. Allele origin: germline.
Comment: This sequence change affects codon 386 of the MEN1 mRNA. It is a 'silent' change, meaning that it does not change the encoded amino acid sequence of the MEN1 protein. RNA analysis indicates that this variant induces altered splicing and may result in an absent or altered protein product. This variant is not present in population databases (gnomAD no frequency). This variant has not been reported in the literature in individuals affected with MEN1-related conditions. Invitae Evidence Modeling of clinical and family history, age, sex, and reported ancestry of multiple individuals with this MEN1 variant has been performed. This variant is expected to be pathogenic with a positive predictive value of at least 99%. This is a validated machine learning model that incorporates the clinical features of 1,366,787 individuals referred to our laboratory for MEN1 testing. ClinVar contains an entry for this variant (Variation ID: 201014). Studies have shown that this variant results in activation of a cryptic splice site, and produces a non-functional protein and/or introduces a premature termination codon (internal data). For these reasons, this variant has been classified as Pathogenic.

Ambry Genetics
Classification: Uncertain significance for Hereditary cancer-predisposing syndrome. Last evaluated: 2025-10-14. Review status: criteria provided, single submitter. Criteria: Ambry Variant Classification Scheme 2023. Collection method: clinical testing. Allele origin: germline.
Comment: The c.1158C>T variant (also known as p.G386G), located in coding exon 7 of the MEN1 gene, results from a C to T substitution at nucleotide position 1158. This nucleotide substitution does not change the glycine at codon 386. This nucleotide position is not well conserved in available vertebrate species. In silico splice site analysis predicts that this alteration will result in the creation or strengthening of a novel splice donor site. RNA studies have demonstrated that this alteration results in abnormal splicing in the set of samples tested (Ambry internal data). Based on the available evidence, the clinical significance of this variant remains unclear.

Color Diagnostics, LLC DBA Color Health
Classification: Uncertain significance for Multiple endocrine neoplasia, type 1. Last evaluated: 2025-10-07. Review status: criteria provided, single submitter. Criteria: ACMG Guidelines, 2015. Collection method: clinical testing. Allele origin: germline.
Comment: This variant causes a C to T nucleotide substitution in exon 8 of the MEN1 gene. Splice site prediction tools suggest that this variant may impact RNA splicing (PMID: 30661751). To our knowledge, RNA or functional studies have not been reported for this variant in the literature. This variant has not been reported in individuals affected with MEN1-related disorders in the literature. This variant has been identified in 3/1461774 chromosomes in the general population by the Genome Aggregation Database (gnomAD). The available evidence is insufficient to determine the role of this variant in disease conclusively. Therefore, this variant is classified as a Variant of Uncertain Significance.

Literature cited by the submitters: PubMed 30661751 (cited by Color Diagnostics, LLC DBA Color Health).

NM_001370259.2(MEN1):c.1158C>T (p.Gly386=)

Gene: MEN1 (menin 1; minus strand). Cytogenetic location: 11q13.1.
Variant type: single nucleotide variant.
Coding change: c.1158C>T on transcript NM_001370259.2 (MANE Select); coding-DNA position 1158, C replaced by T.
Protein change: p.Gly386=; no amino-acid change (glycine 386 retained).
Molecular consequence: synonymous variant.
Genome position (GRCh38, 1-based): chr11:64,805,662, G>A on the plus strand (C>T on the coding strand, the complement: MEN1 is on the minus strand). VCF-style: chr11-64805662-G-A. GRCh37 (hg19) VCF-style: chr11-64573134-G-A.
Other names: c.1173C>T, p.Gly391= (NM_000244.4, NM_130800.3, NM_130801.3 and 3 more transcripts); c.1284C>T, p.Gly428= (NM_001370251.2); c.1158C>T, p.Gly386= (NM_001370260.2, NM_001370261.2, NM_130799.3); c.1053C>T, p.Gly351= (NM_001370262.2, NM_001370263.2).
Identifiers: ClinVar variation 201014 (VCV000201014.17), dbSNP rs794728653, ClinGen allele CA009049.
Genomic context (GRCh38, chr11:64,805,662, plus strand): 5'-GGCTGGACACAGGCTGGAGCTCCAGCCTTTCACCTGGCTTTGCTCCCCCGGCCGCTCCTC[G>A]CCCGCCTCCAGCAAGCTGGCTGCCTCCTTCAGCAGGTTGGGGATGACATCATTGGCTACT-3'
Protein context (NP_001357188.2, residues 376-396): LKEAASLLEA[Gly386=]EERPGEQSQG